The following is an entry in ClinVar:

NM_030662.4(MAP2K2):c.327G>A (p.Pro109=)

Gene: MAP2K2 (mitogen-activated protein kinase kinase 2; minus strand). Cytogenetic location: 19p13.3.
Variant type: single nucleotide variant.
Coding change: c.327G>A on transcript NM_030662.4 (MANE Select); coding-DNA position 327, G replaced by A.
Protein change: p.Pro109=; no amino-acid change (proline 109 retained).
Molecular consequence: synonymous variant.
Genome position (GRCh38, 1-based): chr19:4,110,632, C>T on the plus strand (G>A on the coding strand, the complement: MAP2K2 is on the minus strand). VCF-style: chr19-4110632-C-T. GRCh37 (hg19) VCF-style: chr19-4110630-C-T.
Identifiers: ClinVar variation 378103 (VCV000378103.14), dbSNP rs369156025, ClinGen allele CA9091024.
Genomic context (GRCh38, chr19:4,110,632, plus strand): 5'-GTACGGCGAGTTGCATTCGTGCAGGACCTGCAGCTCGCGGATGATCTGGTTCCGGATGGC[C>T]GGCTTGATCTCAAGGTGGATCAGCTGCAAGGGGAGAGGGGCGAGACTGGCTTGGGGGGTG-3'
Protein context (NP_109587.1, residues 99-119): ARKLIHLEIK[Pro109=]AIRNQIIREL

ClinVar aggregate classification (germline): Likely benign. Review status: criteria provided, multiple submitters, no conflicts (2 of 4 stars). 5 submissions from 5 submitters: Likely benign (5). Last evaluated 2026-04-15.

Conditions:
MAP2K2-related disorder. Also called: MAP2K2-related condition.
Cardiovascular phenotype. Identifiers: MedGen CN230736.
RASopathy. Also called: rasopathies; Noonan spectrum disorder. Identifiers: Orphanet 536391, MedGen C5555857, MONDO:0021060.

Allele frequency attached by ClinVar (database versions not stated): gnomAD 0.00002; TOPMed 0.00004; gnomAD exomes 0.00005; ExAC 0.00007; ESP Exome Variant Server 0.00015.

Submissions (5):

PreventionGenetics, part of Exact Sciences
Classification: Likely benign for MAP2K2-related condition. Last evaluated: 2026-04-15. Review status: criteria provided, single submitter. Criteria: ACMG Guidelines, 2015. Collection method: clinical testing. Allele origin: germline.
Comment: This variant is classified as likely benign based on ACMG/AMP sequence variant interpretation guidelines (Richards et al. 2015 PMID: 25741868, with internal and published modifications).

Labcorp Genetics (formerly Invitae), Labcorp
Classification: Likely benign for RASopathy. Last evaluated: 2025-11-23. Review status: criteria provided, single submitter. Criteria: Invitae Variant Classification Sherloc (09022015). Collection method: clinical testing. Allele origin: germline.

Blueprint Genetics
Classification: Likely benign. Last evaluated: 2024-04-23. Review status: criteria provided, single submitter. Criteria: ACMG Guidelines, 2015. Collection method: clinical testing. Allele origin: germline.

Ambry Genetics
Classification: Likely benign for Cardiovascular phenotype. Last evaluated: 2019-06-17. Review status: criteria provided, single submitter. Criteria: Ambry Variant Classification Scheme 2023. Collection method: clinical testing. Allele origin: germline.

GeneDx
Classification: Likely benign. Last evaluated: 2016-02-29. Review status: criteria provided, single submitter. Criteria: GeneDx Variant Classification (06012015). Collection method: clinical testing. Allele origin: germline. Affected: yes.
Comment: This variant is considered likely benign or benign based on one or more of the following criteria: it is a conservative change, it occurs at a poorly conserved position in the protein, it is predicted to be benign by multiple in silico algorithms, and/or has population frequency not consistent with disease.